The following is an entry in ClinVar:

NM_001005361.3(DNM2):c.952C>T (p.Arg318Trp)

Gene: DNM2 (dynamin 2; plus strand). Cytogenetic location: 19p13.2.
Variant type: single nucleotide variant.
Coding change: c.952C>T on transcript NM_001005361.3 (MANE Select); coding-DNA position 952, C replaced by T.
Protein change: p.Arg318Trp; replaces arginine 318 with tryptophan.
Molecular consequence: missense variant.
Genome position (GRCh38, 1-based): chr19:10,786,666, C>T. VCF-style: chr19-10786666-C-T. GRCh37 (hg19) VCF-style: chr19-10897342-C-T.
Other names: c.952C>T (NM_001005360.2); c.952C>T, p.Arg318Trp (NM_001005360.3, NM_001005362.3, NM_001190716.2 and 1 more transcripts); short protein forms R318W.
Identifiers: ClinVar variation 1360080 (VCV001360080.7), dbSNP rs778020908, ClinGen allele CA9200935.
Genomic context (GRCh38, chr19:10,786,666, plus strand): 5'-AGCAAACTACAGAGCCAGCTGCTGTCCCTGGAGAAGGAGGTGGAGGAGTACAAGAACTTT[C>T]GGCCCGACGACCCCACCCGCAAAACCAAAGCCCTGCTGCAGTATGTACCCCGGCACCCAC-3'
Protein context (NP_001005361.1, residues 308-328): EKEVEEYKNF[Arg318Trp]PDDPTRKTKA

ClinVar aggregate classification (germline): Uncertain significance. Review status: criteria provided, multiple submitters, no conflicts (2 of 4 stars). 2 submissions from 2 submitters: Uncertain significance (2). Last evaluated 2026-06-01.

Conditions:
Charcot-Marie-Tooth disease dominant intermediate B (CMTDIB). Also called: CHARCOT-MARIE-TOOTH NEUROPATHY, DOMINANT INTERMEDIATE B; Charcot-Marie-Tooth disease dominant intermediate 1; CMT DI1; Charcot-Marie-Tooth disease dominant intermediate I. Identifiers: Orphanet 100044, Orphanet 228179, MedGen C1847902, MONDO:0011674, OMIM 606482.
DNM2-related disorder. Also called: DNM2-related condition.

Allele frequency attached by ClinVar (database versions not stated): ExAC 0.00001; gnomAD exomes 0.00001.
gnomAD v4.1: 8 of 1,614,154 alleles (0.0005%); highest among the groups gnomAD compares: Admixed American, 0.0017%; no homozygotes.

Submissions (2):

PreventionGenetics, part of Exact Sciences
Classification: Uncertain significance for DNM2-related condition. Last evaluated: 2026-06-01. Review status: criteria provided, single submitter. Criteria: ACMG Guidelines, 2015. Collection method: clinical testing. Allele origin: germline.
Comment: The DNM2 c.952C>T variant is predicted to result in the amino acid substitution p.Arg318Trp. This variant has been observed along with another variant in a different gene in an individual with frontotemporal lobar degeneration (FTLD, Benussi et al. 2021. PubMed ID: 34948429). This variant is reported in 0.0029% of alleles in individuals of Latino descent in gnomAD. At this time, the clinical significance of this variant is uncertain due to the absence of conclusive functional and genetic evidence.

Labcorp Genetics (formerly Invitae), Labcorp
Classification: Uncertain significance for Charcot-Marie-Tooth disease dominant intermediate B. Last evaluated: 2025-04-17. Review status: criteria provided, single submitter. Criteria: Invitae Variant Classification Sherloc (09022015). Collection method: clinical testing. Allele origin: germline.
Comment: This sequence change replaces arginine, which is basic and polar, with tryptophan, which is neutral and slightly polar, at codon 318 of the DNM2 protein (p.Arg318Trp). This variant is present in population databases (rs778020908, gnomAD 0.003%). This variant has not been reported in the literature in individuals affected with DNM2-related conditions. ClinVar contains an entry for this variant (Variation ID: 1360080). Invitae Evidence Modeling of protein sequence and biophysical properties (such as structural, functional, and spatial information, amino acid conservation, physicochemical variation, residue mobility, and thermodynamic stability) has been performed for this missense variant. However, the output from this modeling did not meet the statistical confidence thresholds required to predict the impact of this variant on DNM2 protein function. In summary, the available evidence is currently insufficient to determine the role of this variant in disease. Therefore, it has been classified as a Variant of Uncertain Significance.